The following is an entry in ClinVar:

ClinVar aggregate classification (germline): Uncertain significance. Review status: criteria provided, multiple submitters, no conflicts (2 of 4 stars). 2 submissions from 2 submitters: Uncertain significance (2). Last evaluated 2026-06-22.

Conditions:
Inborn genetic diseases. Identifiers: MedGen C0950123, MeSH D030342.
MYO18B-related disorder. Also called: MYO18B-related condition.

Allele frequency attached by ClinVar (database versions not stated): gnomAD exomes 0.00001; ExAC 0.00002; TOPMed 0.00003; gnomAD 0.00004; ESP Exome Variant Server 0.00008.
gnomAD v4.1: 14 of 1,613,896 alleles (0.00087%); highest among the groups gnomAD compares: African/African-American, 0.0027%; no homozygotes.

Submissions (2):

PreventionGenetics, part of Exact Sciences
Classification: Uncertain significance for MYO18B-related condition. Last evaluated: 2026-06-22. Review status: criteria provided, single submitter. Criteria: ACMG Guidelines, 2015. Collection method: clinical testing. Allele origin: germline.
Comment: The MYO18B c.307G>C variant is predicted to result in the amino acid substitution p.Asp103His. To our knowledge, this variant has not been reported in the literature. This variant is reported in 0.0065% of alleles in individuals of African descent in gnomAD. At this time, the clinical significance of this variant is uncertain due to the absence of conclusive functional and genetic evidence.

Ambry Genetics
Classification: Uncertain significance for Inborn genetic diseases. Last evaluated: 2025-10-22. Review status: criteria provided, single submitter. Criteria: Ambry Variant Classification Scheme 2023. Collection method: clinical testing. Allele origin: germline.

NM_032608.7(MYO18B):c.307G>C (p.Asp103His)

Gene: MYO18B (myosin XVIIIB; plus strand). Cytogenetic location: 22q12.1.
Variant type: single nucleotide variant.
Coding change: c.307G>C on transcript NM_032608.7 (MANE Select); coding-DNA position 307, G replaced by C.
Protein change: p.Asp103His; replaces aspartic acid 103 with histidine.
Molecular consequence: missense variant.
Genome position (GRCh38, 1-based): chr22:25,768,223, G>C. VCF-style: chr22-25768223-G-C. GRCh37 (hg19) VCF-style: chr22-26164190-G-C.
Other names: c.307G>C, p.Asp103His (NM_001318245.2); c.307G>C (NM_032608.6); short protein forms D103H.
Identifiers: ClinVar variation 2525937 (VCV002525937.4), dbSNP rs370113994, ClinGen allele CA10159548.